The following is an entry in ClinVar:

NM_000219.6(KCNE1):c.167T>C (p.Phe56Ser)

Gene: KCNE1 (potassium voltage-gated channel subfamily E regulatory subunit 1; minus strand). Cytogenetic location: 21q22.12.
Variant type: single nucleotide variant.
Coding change: c.167T>C on transcript NM_000219.6 (MANE Select); coding-DNA position 167, T replaced by C.
Protein change: p.Phe56Ser; replaces phenylalanine 56 with serine.
Molecular consequence: missense variant.
Genome position (GRCh38, 1-based): chr21:34,449,468, A>G on the plus strand (T>C on the coding strand, the complement: KCNE1 is on the minus strand). VCF-style: chr21-34449468-A-G. GRCh37 (hg19) VCF-style: chr21-35821766-A-G.
Other names: c.167T>C, p.Phe56Ser (NM_001127668.4, NM_001127669.4, NM_001127670.4 and 4 more transcripts); short protein forms F56S.
Identifiers: ClinVar variation 3374224 (VCV003374224.2).

Conditions:
Long QT syndrome 5 (LQT5). Identifiers: Orphanet 101016, Orphanet 768, MedGen C1867904, MONDO:0013372, OMIM 613695.

Submission:

Roden Lab, Vanderbilt University Medical Center
No classification provided (evidence only). Condition: Long QT syndrome 5. Review status: no classification provided. Collection method: in vitro. Allele origin: not applicable. Functional consequence: Effect on ion channel function.
ClinVar note: "not provided" was previously submitted as the classification for the variant. However, the classification appeared to be based only on an observation of functional data so it was converted to no classification on 2025-07-30.